The following is an entry in ClinVar:

ClinVar aggregate classification (germline): Uncertain significance (1 of 4 stars; one submission).

Allele frequency attached by ClinVar (database versions not stated): gnomAD exomes below 0.00001.

Submission:

Labcorp Genetics (formerly Invitae), Labcorp
Classification: Uncertain significance. Last evaluated: 2024-02-24. Review status: criteria provided, single submitter. Criteria: Invitae Variant Classification Sherloc (09022015). Collection method: clinical testing. Allele origin: germline.
Comment: This sequence change replaces proline, which is neutral and non-polar, with serine, which is neutral and polar, at codon 1629 of the KMT2E protein (p.Pro1629Ser). This variant is not present in population databases (gnomAD no frequency). This variant has not been reported in the literature in individuals affected with KMT2E-related conditions. ClinVar contains an entry for this variant (Variation ID: 2103274). An algorithm developed to predict the effect of missense changes on protein structure and function (PolyPhen-2) suggests that this variant is likely to be disruptive. In summary, the available evidence is currently insufficient to determine the role of this variant in disease. Therefore, it has been classified as a Variant of Uncertain Significance.

NM_182931.3(KMT2E):c.4885C>T (p.Pro1629Ser)

Gene: KMT2E (lysine methyltransferase 2E (inactive); plus strand). Cytogenetic location: 7q22.3.
Variant type: single nucleotide variant.
Coding change: c.4885C>T on transcript NM_182931.3 (MANE Select); coding-DNA position 4885, C replaced by T.
Protein change: p.Pro1629Ser; replaces proline 1629 with serine.
Molecular consequence: missense variant.
Genome position (GRCh38, 1-based): chr7:105,112,641, C>T. VCF-style: chr7-105112641-C-T. GRCh37 (hg19) VCF-style: chr7-104753088-C-T.
Other names: c.4759C>T, p.Pro1587Ser (NM_001410908.1); c.4885C>T, p.Pro1629Ser (NM_018682.4); short protein forms P1629S, P1587S.
Identifiers: ClinVar variation 2103274 (VCV002103274.4), dbSNP rs2536526432, ClinGen allele CA368793790.